The following is an entry in ClinVar:

ClinVar aggregate classification (somatic clinical impact): Tier I - Strong (1 of 4 stars; one submission).

Conditions:
Pineoblastoma. Identifiers: Orphanet 251909, MedGen C0205898, MONDO:0016722, HP:0030408.

Submission:

Institute for Genomic Medicine (IGM) Clinical Laboratory, Nationwide Children's Hospital
Classification: Tier I - Strong for Pineoblastoma. Assertion type: diagnostic. Clinical significance: supports diagnosis. Last evaluated: 2023-06-19. Review status: criteria provided, single submitter. Criteria: AMP/ASCO/CAP Guidelines, 2017. Collection method: clinical testing. Allele origin: somatic. Affected: yes.
Comment: Variant has Tier I (strong) clinical significance as a diagnostic inclusion criterion in pineoblastoma, based on the following evidence: 1) Appears in one or more well-established professional guidelines (e.g., World Health Organization [WHO]; National Comprehensive Cancer Network [NCCN]) as providing diagnostic, prognostic, or therapeutic information. 2) Information in the literature supports potential biologic effect of variant. 3) Diagnostic for a specific tumor type/classification based on well-powered studies with expert-level consensus (Evidence Level B; PMIDs: 31820118, 31768671, 31802236).

Literature cited by the submitters: PubMed 31820118; PubMed 31768671; PubMed 31802236.

NM_022720.7(DGCR8):c.1864C>T (p.Gln622Ter)

Gene: DGCR8 (DGCR8 microprocessor complex subunit; plus strand). Cytogenetic location: 22q11.21.
Variant type: single nucleotide variant.
Coding change: c.1864C>T on transcript NM_022720.7 (MANE Select); coding-DNA position 1864, C replaced by T.
Protein change: p.Gln622Ter; replaces glutamine 622 with a stop codon.
Molecular consequence: nonsense.
Genome position (GRCh38, 1-based): chr22:20,106,252, C>T. VCF-style: chr22-20106252-C-T. GRCh37 (hg19) VCF-style: chr22-20093775-C-T.
Other names: c.1765C>T, p.Gln589Ter (NM_001190326.2); short protein forms Q589*, Q622*.
Identifiers: ClinVar variation 4530090 (VCV004530090.1).
Genomic context (GRCh38, chr22:20,106,252, plus strand): 5'-AGCATCGAGGACTCGCGGGTCTACGAGCTGACCAGCAAGGCTGGGCTGTTGTCTCCATAT[C>T]AGATCCTCCACGAGTGCCTTAAAAGGTAGGGTAGGGGGGTGCCTCCCCCCATGAGTCAGG-3'